The following is an entry in ClinVar:

ClinVar aggregate classification (germline): Uncertain significance. Review status: criteria provided, multiple submitters, no conflicts (2 of 4 stars). 2 submissions from 2 submitters: Uncertain significance (2). Last evaluated 2025-03-26.

Allele frequency attached by ClinVar (database versions not stated): gnomAD 0.00001; gnomAD exomes 0.00001 and 0.00004; TOPMed 0.00001; ExAC 0.00006.
gnomAD v4.1: 26 of 1,598,310 alleles (0.0016%); highest among the groups gnomAD compares: Middle Eastern, 0.016%; no homozygotes.

Submissions (2):

Labcorp Genetics (formerly Invitae), Labcorp
Classification: Uncertain significance. Last evaluated: 2025-03-26. Review status: criteria provided, single submitter. Criteria: Invitae Variant Classification Sherloc (09022015). Collection method: clinical testing. Allele origin: germline.
Comment: This sequence change replaces lysine, which is basic and polar, with arginine, which is basic and polar, at codon 337 of the DNA2 protein (p.Lys337Arg). This variant is present in population databases (rs768224651, gnomAD 0.01%). This variant has not been reported in the literature in individuals affected with DNA2-related conditions. ClinVar contains an entry for this variant (Variation ID: 1343845). Invitae Evidence Modeling of protein sequence and biophysical properties (such as structural, functional, and spatial information, amino acid conservation, physicochemical variation, residue mobility, and thermodynamic stability) indicates that this missense variant is not expected to disrupt DNA2 protein function with a negative predictive value of 80%. Algorithms developed to predict the effect of sequence changes on RNA splicing suggest that this variant may disrupt the consensus splice site. In summary, the available evidence is currently insufficient to determine the role of this variant in disease. Therefore, it has been classified as a Variant of Uncertain Significance.

GeneDx
Classification: Uncertain significance. Last evaluated: 2022-03-09. Review status: criteria provided, single submitter. Criteria: GeneDx Variant Classification Process June 2021. Collection method: clinical testing. Allele origin: germline. Affected: yes.
Comment: Has not been previously published as pathogenic or benign to our knowledge; In silico analysis supports that this missense variant does not alter protein structure/function

NM_001080449.3(DNA2):c.1010A>G (p.Lys337Arg)

Gene: DNA2 (DNA replication helicase/nuclease 2; minus strand). Cytogenetic location: 10q21.3.
Variant type: single nucleotide variant.
Coding change: c.1010A>G on transcript NM_001080449.3 (MANE Select); coding-DNA position 1010, A replaced by G.
Protein change: p.Lys337Arg; replaces lysine 337 with arginine.
Molecular consequence: missense variant. On other transcripts: non-coding transcript variant (1).
Genome position (GRCh38, 1-based): chr10:68,446,343, T>C on the plus strand (A>G on the coding strand, the complement: DNA2 is on the minus strand). VCF-style: chr10-68446343-T-C. GRCh37 (hg19) VCF-style: chr10-70206100-T-C.
Other names: short protein forms K337R.
Identifiers: ClinVar variation 1343845 (VCV001343845.6), dbSNP rs768224651, ClinGen allele CA5525162.